The following is an entry in ClinVar:

ClinVar aggregate classification (germline): Uncertain significance. Review status: criteria provided, multiple submitters, no conflicts (2 of 4 stars). 3 submissions from 3 submitters: Uncertain significance (3). Last evaluated 2024-12-05.

Allele frequency attached by ClinVar (database versions not stated): ExAC 0.00002; gnomAD exomes 0.00002; TOPMed 0.00002.
gnomAD v4.1: 32 of 1,612,528 alleles (0.002%); highest among the groups gnomAD compares: Middle Eastern, 0.016%; no homozygotes.

Submissions (3):

Ambry Genetics
Classification: Uncertain significance. Last evaluated: 2024-12-05. Review status: criteria provided, single submitter. Criteria: Ambry Variant Classification Scheme 2023. Collection method: clinical testing. Allele origin: germline.

Blueprint Genetics
Classification: Uncertain significance. Last evaluated: 2024-10-29. Review status: criteria provided, single submitter. Criteria: ACMG Guidelines, 2015. Collection method: clinical testing. Allele origin: germline.

Labcorp Genetics (formerly Invitae), Labcorp
Classification: Uncertain significance. Last evaluated: 2024-05-07. Review status: criteria provided, single submitter. Criteria: Invitae Variant Classification Sherloc (09022015). Collection method: clinical testing. Allele origin: germline.
Comment: This sequence change replaces threonine, which is neutral and polar, with methionine, which is neutral and non-polar, at codon 164 of the RASA2 protein (p.Thr164Met). This variant is present in population databases (rs752317451, gnomAD 0.007%). This variant has not been reported in the literature in individuals affected with RASA2-related conditions. ClinVar contains an entry for this variant (Variation ID: 1375090). An algorithm developed to predict the effect of missense changes on protein structure and function (PolyPhen-2) suggests that this variant is likely to be disruptive. In summary, the available evidence is currently insufficient to determine the role of this variant in disease. Therefore, it has been classified as a Variant of Uncertain Significance.

NM_006506.5(RASA2):c.491C>T (p.Thr164Met)

Gene: RASA2 (RAS p21 protein activator 2; plus strand). Cytogenetic location: 3q23.
Variant type: single nucleotide variant.
Coding change: c.491C>T on transcript NM_006506.5 (MANE Select); coding-DNA position 491, C replaced by T.
Protein change: p.Thr164Met; replaces threonine 164 with methionine.
Molecular consequence: missense variant.
Genome position (GRCh38, 1-based): chr3:141,540,573, C>T. VCF-style: chr3-141540573-C-T. GRCh37 (hg19) VCF-style: chr3-141259415-C-T.
Other names: c.491C>T, p.Thr164Met (NM_001303245.3, NM_001303246.3); c.491C>T (NM_006506.2); short protein forms T164M.
Identifiers: ClinVar variation 1375090 (VCV001375090.9), dbSNP rs752317451, ClinGen allele CA2645210.